The following is an entry in ClinVar:

ClinVar aggregate classification (germline): Uncertain significance (1 of 4 stars; one submission).

Submission:

GeneDx
Classification: Uncertain significance. Last evaluated: 2023-03-17. Review status: criteria provided, single submitter. Criteria: GeneDx Variant Classification Process June 2021. Collection method: clinical testing. Allele origin: germline. Affected: yes.
Comment: Not observed at significant frequency in large population cohorts (gnomAD); In silico analysis supports that this missense variant has a deleterious effect on protein structure/function; Has not been previously published as pathogenic or benign to our knowledge

NM_017871.6(INTS11):c.983T>A (p.Leu328Gln)

Gene: INTS11 (integrator complex subunit 11; minus strand). Cytogenetic location: 1p36.33.
Variant type: single nucleotide variant.
Coding change: c.983T>A on transcript NM_017871.6 (MANE Select); coding-DNA position 983, T replaced by A.
Protein change: p.Leu328Gln; replaces leucine 328 with glutamine.
Molecular consequence: missense variant.
Genome position (GRCh38, 1-based): chr1:1,313,567, A>T on the plus strand (T>A on the coding strand, the complement: INTS11 is on the minus strand). VCF-style: chr1-1313567-A-T. GRCh37 (hg19) VCF-style: chr1-1248947-A-T.
Other names: c.1001T>A, p.Leu334Gln (NM_001256456.2); c.896T>A, p.Leu299Gln (NM_001256460.2); c.689T>A, p.Leu230Gln (NM_001256462.2); c.680T>A, p.Leu227Gln (NM_001256463.2); short protein forms L227Q, L230Q, L299Q, L328Q, L334Q.
Identifiers: ClinVar variation 2580101 (VCV002580101.1), dbSNP rs1642377466, ClinGen allele CA337796148.